The following is an entry in ClinVar:

NM_001687.5(ATP5F1D):c.179T>C (p.Val60Ala)

Gene: ATP5F1D (ATP synthase F1 subunit delta; plus strand). Cytogenetic location: 19p13.3.
Variant type: single nucleotide variant.
Coding change: c.179T>C on transcript NM_001687.5 (MANE Select); coding-DNA position 179, T replaced by C.
Protein change: p.Val60Ala; replaces valine 60 with alanine.
Molecular consequence: missense variant.
Genome position (GRCh38, 1-based): chr19:1,242,493, T>C. VCF-style: chr19-1242493-T-C. GRCh37 (hg19) VCF-style: chr19-1242492-T-C.
Other names: c.179T>C (NM_001687.4); c.179T>C, p.Val60Ala (NM_001001975.2); short protein forms V60A.
Identifiers: ClinVar variation 1682807 (VCV001682807.7), dbSNP rs1322539460, ClinGen allele CA402980151.

ClinVar aggregate classification (germline): Uncertain significance. Review status: criteria provided, multiple submitters, no conflicts (2 of 4 stars). 2 submissions from 2 submitters: Uncertain significance (2). Last evaluated 2025-08-24.

Conditions:
Inborn genetic diseases. Identifiers: MedGen C0950123, MeSH D030342.

Allele frequency attached by ClinVar (database versions not stated): gnomAD exomes 0.00001.
gnomAD v4.1: 7 of 1,554,226 alleles (0.00045%); highest among the groups gnomAD compares: Admixed American, 0.013%; no homozygotes.

Submissions (2):

Labcorp Genetics (formerly Invitae), Labcorp
Classification: Uncertain significance. Last evaluated: 2025-08-24. Review status: criteria provided, single submitter. Criteria: Invitae Variant Classification Sherloc (09022015). Collection method: clinical testing. Allele origin: germline.
Comment: This sequence change replaces valine, which is neutral and non-polar, with alanine, which is neutral and non-polar, at codon 60 of the ATP5D protein (p.Val60Ala). This variant is not present in population databases (gnomAD no frequency). This variant has not been reported in the literature in individuals affected with ATP5D-related conditions. ClinVar contains an entry for this variant (Variation ID: 1682807). An algorithm developed to predict the effect of missense changes on protein structure and function (PolyPhen-2) suggests that this variant is likely to be disruptive. In summary, the available evidence is currently insufficient to determine the role of this variant in disease. Therefore, it has been classified as a Variant of Uncertain Significance.

Ambry Genetics
Classification: Uncertain significance for Inborn genetic diseases. Last evaluated: 2021-09-17. Review status: criteria provided, single submitter. Criteria: Ambry Variant Classification Scheme 2023. Collection method: clinical testing. Allele origin: germline.